The following is an entry in ClinVar:

NM_182916.3(TRNT1):c.482-8A>G

Gene: TRNT1 (tRNA nucleotidyl transferase 1; plus strand). Cytogenetic location: 3p26.2.
Variant type: single nucleotide variant.
Coding change: c.482-8A>G on transcript NM_182916.3 (MANE Select); 8 bases into the intron before coding-DNA position 482, A replaced by G.
Molecular consequence: intron variant.
Genome position (GRCh38, 1-based): chr3:3,144,576, A>G. VCF-style: chr3-3144576-A-G. GRCh37 (hg19) VCF-style: chr3-3186260-A-G.
Other names: c.482-8A>G (NM_001367321.1, NM_001367323.1, NM_001367322.1 and 1 more transcripts).
Identifiers: ClinVar variation 1368475 (VCV001368475.8), dbSNP rs1375077738, ClinGen allele CA540772423.

ClinVar aggregate classification (germline): Uncertain significance (1 of 4 stars; one submission).

Conditions:
Congenital sideroblastic anemia-B-cell immunodeficiency-periodic fever-developmental delay syndrome. Also called: Sideroblastic anemia with B-cell immunodeficiency, periodic fevers, and developmental delay. Identifiers: Orphanet 369861, MedGen C4015172, MONDO:0014487, OMIM 616084.

Allele frequency attached by ClinVar (database versions not stated): TOPMed 0.00001.

Submission:

Labcorp Genetics (formerly Invitae), Labcorp
Classification: Uncertain significance for Congenital sideroblastic anemia-B-cell immunodeficiency-periodic fever-developmental delay syndrome. Last evaluated: 2021-07-18. Review status: criteria provided, single submitter. Criteria: Invitae Variant Classification Sherloc (09022015). Collection method: clinical testing. Allele origin: germline.
Comment: This sequence change falls in intron 4 of the TRNT1 gene. It does not directly change the encoded amino acid sequence of the TRNT1 protein. This variant is not present in population databases (ExAC no frequency). This variant has not been reported in the literature in individuals affected with TRNT1-related conditions. Algorithms developed to predict the effect of sequence changes on RNA splicing suggest that this variant may disrupt the consensus splice site. In summary, the available evidence is currently insufficient to determine the role of this variant in disease. Therefore, it has been classified as a Variant of Uncertain Significance.